The following is an entry in ClinVar:

ClinVar aggregate classification (germline): Uncertain significance (1 of 4 stars; one submission).

Allele frequency attached by ClinVar (database versions not stated): gnomAD 0.00003; ExAC 0.00005; TOPMed 0.00005.
gnomAD v4.1: 39 of 1,612,842 alleles (0.0024%); highest among the groups gnomAD compares: Non-Finnish European, 0.0032%; no homozygotes.

Submission:

Labcorp Genetics (formerly Invitae), Labcorp
Classification: Uncertain significance. Last evaluated: 2023-08-24. Review status: criteria provided, single submitter. Criteria: Invitae Variant Classification Sherloc (09022015). Collection method: clinical testing. Allele origin: germline.
Comment: An algorithm developed to predict the effect of missense changes on protein structure and function (PolyPhen-2) suggests that this variant is likely to be tolerated. In summary, the available evidence is currently insufficient to determine the role of this variant in disease. Therefore, it has been classified as a Variant of Uncertain Significance. This variant has not been reported in the literature in individuals affected with AHDC1-related conditions. This variant is present in population databases (rs773496105, gnomAD 0.008%). This sequence change replaces glutamine, which is neutral and polar, with histidine, which is basic and polar, at codon 919 of the AHDC1 protein (p.Gln919His).

NM_001371928.1(AHDC1):c.2757G>C (p.Gln919His)

Gene: AHDC1 (AT-hook DNA binding motif containing 1; minus strand). Cytogenetic location: 1p36.11.
Variant type: single nucleotide variant.
Coding change: c.2757G>C on transcript NM_001371928.1 (MANE Select); coding-DNA position 2757, G replaced by C.
Protein change: p.Gln919His; replaces glutamine 919 with histidine.
Molecular consequence: missense variant.
Genome position (GRCh38, 1-based): chr1:27,549,359, C>G on the plus strand (G>C on the coding strand, the complement: AHDC1 is on the minus strand). VCF-style: chr1-27549359-C-G. GRCh37 (hg19) VCF-style: chr1-27875870-C-G.
Other names: c.2757G>C, p.Gln919His (NM_001029882.3); short protein forms Q919H.
Identifiers: ClinVar variation 2901152 (VCV002901152.3), dbSNP rs773496105, ClinGen allele CA715701.